The following is an entry in ClinVar:

NM_017654.4(SAMD9):c.4366T>C (p.Tyr1456His)

Gene: SAMD9 (sterile alpha motif domain containing 9; minus strand). Cytogenetic location: 7q21.2.
Variant type: single nucleotide variant.
Coding change: c.4366T>C on transcript NM_017654.4 (MANE Select); coding-DNA position 4366, T replaced by C.
Protein change: p.Tyr1456His; replaces tyrosine 1456 with histidine.
Molecular consequence: missense variant.
Genome position (GRCh38, 1-based): chr7:93,101,732, A>G on the plus strand (T>C on the coding strand, the complement: SAMD9 is on the minus strand). VCF-style: chr7-93101732-A-G. GRCh37 (hg19) VCF-style: chr7-92731045-A-G.
Other names: c.4366T>C, p.Tyr1456His (NM_001193307.2); short protein forms Y1456H.
Identifiers: ClinVar variation 3949741 (VCV003949741.2).

ClinVar aggregate classification (germline): Uncertain significance (1 of 4 stars; one submission).

Conditions:
Inborn genetic diseases. Identifiers: MedGen C0950123, MeSH D030342.

gnomAD v4.1: 1 of 1,613,618 alleles (0.000062%); highest among the groups gnomAD compares: Non-Finnish European, 0.000085%; no homozygotes.

Submission:

Ambry Genetics
Classification: Uncertain significance for Inborn genetic diseases. Last evaluated: 2025-09-07. Review status: criteria provided, single submitter. Criteria: Ambry Variant Classification Scheme 2023. Collection method: clinical testing. Allele origin: germline.
Comment: The p.Y1456H variant (also known as c.4366T>C), located in coding exon 1 of the SAMD9 gene, results from a T to C substitution at nucleotide position 4366. The tyrosine at codon 1456 is replaced by histidine, an amino acid with similar properties. This amino acid position is conserved. In addition, this alteration is predicted to be tolerated by in silico analysis. Based on the available evidence, the clinical significance of this variant remains unclear.